The following is an entry in ClinVar:

ClinVar aggregate classification (germline): Likely benign (1 of 4 stars; one submission).

Allele frequency attached by ClinVar (database versions not stated): 1000 Genomes Project 0.00240; 1000 Genomes Project 30x 0.00250; TOPMed 0.00720; gnomAD 0.00869 and 0.00913.
gnomAD v4.1: 1,325 of 152,322 alleles (0.87%); highest among the groups gnomAD compares: Non-Finnish European, 1.5%; 15 homozygotes.

Submission:

GeneDx
Classification: Likely benign. Last evaluated: 2018-06-19. Review status: criteria provided, single submitter. Criteria: GeneDx Variant Classification (06012015). Collection method: clinical testing. Allele origin: germline. Affected: yes.
Comment: This variant is considered likely benign or benign based on one or more of the following criteria: it is a conservative change, it occurs at a poorly conserved position in the protein, it is predicted to be benign by multiple in silico algorithms, and/or has population frequency not consistent with disease.

NM_007078.3(LDB3):c.322-305G>A

Gene: LDB3 (LIM domain binding 3; plus strand). Cytogenetic location: 10q23.2.
Variant type: single nucleotide variant.
Coding change: c.322-305G>A on transcript NM_007078.3 (MANE Select); 305 bases into the intron before coding-DNA position 322, G replaced by A.
Molecular consequence: intron variant.
Genome position (GRCh38, 1-based): chr10:86,681,131, G>A. VCF-style: chr10-86681131-G-A. GRCh37 (hg19) VCF-style: chr10-88440888-G-A.
Other names: c.322-305G>A (NM_001368064.1, NM_001368063.1, NM_001171610.2 and 3 more transcripts); c.321+974G>A (NM_001368068.1, NM_001368066.1, NM_001080114.2 and 2 more transcripts).
Identifiers: ClinVar variation 671729 (VCV000671729.1), dbSNP rs11596380, ClinGen allele CA211211315.